The following is an entry in ClinVar:

NM_000038.6(APC):c.1354_1355del (p.Val452fs)

Gene: APC (APC regulator of Wnt signaling pathway; plus strand). Cytogenetic location: 5q22.2.
Variant type: Microsatellite.
Coding change: c.1354_1355del on transcript NM_000038.6 (MANE Select); coding-DNA positions 1354 to 1355, 2 bases deleted (GT; older notation c.1354_1355delGT).
Protein change: p.Val452fs; shifts the reading frame from valine 452.
Molecular consequence: frameshift variant.
Genome position (GRCh38, 1-based): chr5:112,821,937-112,821,938, GT deleted; deleting any 2 consecutive bases within chr5:112,821,930-112,821,938 gives the same sequence; the c. name uses the placement nearest the transcript's 3' end. VCF-style (leftmost placement, unchanged base first): chr5-112821929-CTG-C. GRCh37 (hg19) VCF-style: chr5-112157626-CTG-C.
Other names: c.1354_1355del, p.Val452fs (NM_001127510.3, NM_001354895.2, NM_001354896.2); c.1300_1301del, p.Val434fs (NM_001127511.3); c.1384_1385del, p.Val462fs (NM_001354897.2); c.1279_1280del, p.Val427fs (NM_001354898.2); c.1270_1271del, p.Val424fs (NM_001354899.2); c.1177_1178del, p.Val393fs (NM_001354900.2, NM_001354901.2); c.1081_1082del, p.Val361fs (NM_001354902.2); c.1051_1052del, p.Val351fs (NM_001354903.2); and 3 more; short protein forms V292fs, V326fs, V427fs, V169fs, V351fs, V393fs, V424fs, V361fs.
Identifiers: ClinVar variation 537527 (VCV000537527.15), dbSNP rs1554080698, ClinGen allele CA645562782.

ClinVar aggregate classification (germline): Pathogenic. Review status: criteria provided, multiple submitters, no conflicts (2 of 4 stars). 3 submissions from 3 submitters: Pathogenic (3). Last evaluated 2023-05-01.

Conditions:
Hereditary cancer-predisposing syndrome. Also called: Tumor predisposition; Hereditary Cancer Syndrome; Hereditary neoplastic syndrome; Neoplastic Syndromes, Hereditary. Identifiers: Orphanet 140162, MedGen C0027672, MeSH D009386, MONDO:0015356.
Familial adenomatous polyposis 1 (FAP1). Also called: FAMILIAL ADENOMATOUS POLYPOSIS 1, ATTENUATED; POLYPOSIS, ADENOMATOUS INTESTINAL. Identifiers: MedGen C2713442, MONDO:0021056, OMIM 175100. Disease mechanism: loss of function.

Submissions (3):

Myriad Genetics, Inc.
Classification: Pathogenic for Familial adenomatous polyposis 1. Last evaluated: 2023-05-01. Review status: criteria provided, single submitter. Criteria: Myriad Autosomal Dominant, Autosomal Recessive and X-Linked Classification Criteria (2023). Collection method: clinical testing. Allele origin: unknown.
Comment: This variant is considered pathogenic. This variant creates a frameshift predicted to result in premature protein truncation.

Ambry Genetics
Classification: Pathogenic for Hereditary cancer-predisposing syndrome. Last evaluated: 2022-09-09. Review status: criteria provided, single submitter. Criteria: Ambry Variant Classification Scheme 2023. Collection method: clinical testing. Allele origin: germline.
Comment: The c.1354_1355delGT pathogenic mutation, located in coding exon 10 of the APC gene, results from a deletion of two nucleotides at nucleotide positions 1354 to 1355, causing a translational frameshift with a predicted alternate stop codon (p.V452Sfs*7). This alteration has been reported in multiple individuals with a diagnosis of familial adenomatous polyposis (FAP) (Cowie S et al. Hum. Mutat., 2004 Sep;24:261-71; Aceto G et al. Hum. Mutat., 2005 Oct;26:394; Lagarde A et al. J. Med. Genet., 2010 Oct;47:721-2; Kerr SE et al. J Mol Diagn, 2013 Jan;15:31-43). This alteration has been observed in at least one individual with a personal and/or family history that is consistent with APC-related disease (Ambry internal data). This variant is considered to be rare based on population cohorts in the Genome Aggregation Database (gnomAD). In addition to the clinical data presented in the literature, this alteration is expected to result in loss of function by premature protein truncation or nonsense-mediated mRNA decay. As such, this alteration is interpreted as a disease-causing mutation.

Labcorp Genetics (formerly Invitae), Labcorp
Classification: Pathogenic for Familial adenomatous polyposis 1. Last evaluated: 2018-01-22. Review status: criteria provided, single submitter. Criteria: Invitae Variant Classification Sherloc (09022015). Collection method: clinical testing. Allele origin: germline.
Comment: For these reasons, this variant has been classified as Pathogenic. Loss-of-function variants in APC are known to be pathogenic (PMID: 17963004, 20685668). This variant has been reported in several individuals affected with familial adenomatous polyposis (PMID: 15300853, 20685668, 23159591, 16134147). This variant is not present in population databases (ExAC no frequency). This sequence change creates a premature translational stop signal (p.Val452Serfs*7) in the APC gene. It is expected to result in an absent or disrupted protein product.

Literature cited by the submitters: PubMed 15300853 (cited by Ambry Genetics and Labcorp Genetics (formerly Invitae), Labcorp); PubMed 16134147 (cited by Ambry Genetics and Labcorp Genetics (formerly Invitae), Labcorp); PubMed 20685668 (cited by Ambry Genetics and Labcorp Genetics (formerly Invitae), Labcorp); PubMed 23159591 (cited by Ambry Genetics and Labcorp Genetics (formerly Invitae), Labcorp); PubMed 17963004 (cited by Labcorp Genetics (formerly Invitae), Labcorp).